The following is an entry in ClinVar:

NM_001605.3(AARS1):c.1824G>A (p.Thr608=)

Gene: AARS1 (alanyl-tRNA synthetase 1; minus strand). Cytogenetic location: 16q22.1.
Variant type: single nucleotide variant.
Coding change: c.1824G>A on transcript NM_001605.3 (MANE Select); coding-DNA position 1824, G replaced by A.
Protein change: p.Thr608=; no amino-acid change (threonine 608 retained).
Molecular consequence: synonymous variant.
Genome position (GRCh38, 1-based): chr16:70,259,148, C>T on the plus strand (G>A on the coding strand, the complement: AARS1 is on the minus strand). VCF-style: chr16-70259148-C-T. GRCh37 (hg19) VCF-style: chr16-70293051-C-T.
Identifiers: ClinVar variation 320336 (VCV000320336.11), dbSNP rs199644417, ClinGen allele CA8140651.

ClinVar aggregate classification (germline): Likely benign. Review status: criteria provided, multiple submitters, no conflicts (2 of 4 stars). 4 submissions from 4 submitters: Likely benign (4). Last evaluated 2025-11-28.

Conditions:
Charcot-Marie-Tooth disease axonal type 2N (CMT2N). Also called: CHARCOT-MARIE-TOOTH DISEASE, AXONAL, AUTOSOMAL DOMINANT, TYPE 2N; CHARCOT-MARIE-TOOTH NEUROPATHY, AXONAL, TYPE 2N; Charcot-Marie-Tooth Neuropathy Type 2N. Identifiers: Orphanet 228174, MedGen C2750090, MONDO:0013212, OMIM 613287.
Inborn genetic diseases. Identifiers: MedGen C0950123, MeSH D030342.
Charcot-Marie-Tooth disease type 2. Also called: Charcot-Marie-Tooth type 2. Identifiers: Orphanet 64746, MedGen C0270914, MONDO:0018993.

Allele frequency attached by ClinVar (database versions not stated): ExAC 0.00002; 1000 Genomes Project 30x 0.00016; 1000 Genomes Project 0.00020.

Submissions (4):

Labcorp Genetics (formerly Invitae), Labcorp
Classification: Likely benign for Charcot-Marie-Tooth disease type 2. Last evaluated: 2025-11-28. Review status: criteria provided, single submitter. Criteria: Invitae Variant Classification Sherloc (09022015). Collection method: clinical testing. Allele origin: germline.

Ambry Genetics
Classification: Likely benign for Inborn genetic diseases. Last evaluated: 2019-07-11. Review status: criteria provided, single submitter. Criteria: Ambry Variant Classification Scheme 2023. Collection method: clinical testing. Allele origin: germline.

Illumina Laboratory Services, Illumina
Classification: Likely benign for Charcot-Marie-Tooth disease axonal type 2N. Last evaluated: 2018-01-12. Review status: criteria provided, single submitter. Criteria: ICSL Variant Classification Criteria 13 December 2019. Collection method: clinical testing. Allele origin: germline.
Comment: This variant was observed in the ICSL laboratory as part of a predisposition screen in an ostensibly healthy population. It had not been previously curated by ICSL or reported in the Human Gene Mutation Database (HGMD: prior to June 1st, 2018), and was therefore a candidate for classification through an automated scoring system. Utilizing variant allele frequency, disease prevalence and penetrance estimates, and inheritance mode, an automated score was calculated to assess if this variant is too frequent to cause the disease. Based on the score and internal cut-off values, a variant classified as likely benign is not then subjected to further curation. The score for this variant resulted in a classification of likely benign for this disease.

GeneDx
Classification: Likely benign. Last evaluated: 2016-02-16. Review status: criteria provided, single submitter. Criteria: GeneDx Variant Classification (06012015). Collection method: clinical testing. Allele origin: germline. Affected: yes.
Comment: This variant is considered likely benign or benign based on one or more of the following criteria: it is a conservative change, it occurs at a poorly conserved position in the protein, it is predicted to be benign by multiple in silico algorithms, and/or has population frequency not consistent with disease.